The following is an entry in ClinVar:

NM_021930.6(RINT1):c.88+4A>C

Gene: RINT1 (RAD50 interactor 1; plus strand). Cytogenetic location: 7q22.3.
Variant type: single nucleotide variant.
Coding change: c.88+4A>C on transcript NM_021930.6 (MANE Select); 4 bases into the intron after coding-DNA position 88, A replaced by C.
Molecular consequence: intron variant.
Genome position (GRCh38, 1-based): chr7:105,532,873, A>C. VCF-style: chr7-105532873-A-C. GRCh37 (hg19) VCF-style: chr7-105173320-A-C.
Other names: c.-932+4A>C (NM_001346600.2); c.-835+4A>C (NM_001346601.2); c.-455+4A>C (NM_001346603.2); c.-10+4A>C (NM_001346599.2).
Identifiers: ClinVar variation 3314417 (VCV003314417.1).

ClinVar aggregate classification (germline): Uncertain significance (1 of 4 stars; one submission).

gnomAD v4.1: 6 of 1,613,952 alleles (0.00037%); highest among the groups gnomAD compares: Non-Finnish European, 0.00051%; no homozygotes.

Submission:

Ambry Genetics
Classification: Uncertain significance. Last evaluated: 2024-04-24. Review status: criteria provided, single submitter. Criteria: Ambry Variant Classification Scheme 2023. Collection method: clinical testing. Allele origin: germline.
Comment: The c.88+4A>C intronic variant results from an A to C substitution 4 nucleotides after coding exon 2 in the RINT1 gene. This nucleotide position is highly conserved in available vertebrate species. In silico splice site analysis predicts that this alteration may weaken the native splice donor site. The evidence for this gene-disease relationship is limited; therefore, the clinical significance of this alteration is unclear.